The following is an entry in ClinVar:

NM_004722.4(AP4M1):c.1025+6T>G

Gene: AP4M1 (adaptor related protein complex 4 subunit mu 1; plus strand). Cytogenetic location: 7q22.1.
Variant type: single nucleotide variant.
Coding change: c.1025+6T>G on transcript NM_004722.4 (MANE Select); 6 bases into the intron after coding-DNA position 1025, T replaced by G.
Molecular consequence: intron variant.
Genome position (GRCh38, 1-based): chr7:100,106,297, T>G. VCF-style: chr7-100106297-T-G. GRCh37 (hg19) VCF-style: chr7-99703920-T-G.
Other names: c.1046+6T>G (NM_001363671.2).
Identifiers: ClinVar variation 2052902 (VCV002052902.4), dbSNP rs367603728, ClinGen allele CA163219432.

ClinVar aggregate classification (germline): Uncertain significance (1 of 4 stars; one submission).

Conditions:
Hereditary spastic paraplegia 50 (SPG50). Also called: Spastic paraplegia 50, autosomal recessive. Identifiers: Orphanet 280763, MedGen C2752008, MONDO:0013048, OMIM 612936.

Allele frequency attached by ClinVar (database versions not stated): gnomAD exomes 0.00001; ESP Exome Variant Server 0.00008.

Submission:

Labcorp Genetics (formerly Invitae), Labcorp
Classification: Uncertain significance for Hereditary spastic paraplegia 50. Last evaluated: 2024-10-17. Review status: criteria provided, single submitter. Criteria: Invitae Variant Classification Sherloc (09022015). Collection method: clinical testing. Allele origin: germline.
Comment: This sequence change falls in intron 13 of the AP4M1 gene. It does not directly change the encoded amino acid sequence of the AP4M1 protein. It affects a nucleotide within the consensus splice site. This variant is not present in population databases (gnomAD no frequency). This variant has not been reported in the literature in individuals affected with AP4M1-related conditions. ClinVar contains an entry for this variant (Variation ID: 2052902). Variants that disrupt the consensus splice site are a relatively common cause of aberrant splicing (PMID: 17576681, 9536098). Algorithms developed to predict the effect of sequence changes on RNA splicing suggest that this variant may disrupt the consensus splice site. In summary, the available evidence is currently insufficient to determine the role of this variant in disease. Therefore, it has been classified as a Variant of Uncertain Significance.

Literature cited by the submitters: PubMed 17576681; PubMed 9536098.